The following is an entry in ClinVar:

NM_001040142.2(SCN2A):c.3579C>A (p.Leu1193=)

Gene: SCN2A (sodium voltage-gated channel alpha subunit 2; plus strand). Cytogenetic location: 2q24.3.
Variant type: single nucleotide variant.
Coding change: c.3579C>A on transcript NM_001040142.2 (MANE Select); coding-DNA position 3579, C replaced by A.
Protein change: p.Leu1193=; no amino-acid change (leucine 1193 retained).
Molecular consequence: synonymous variant.
Genome position (GRCh38, 1-based): chr2:165,367,275, C>A. VCF-style: chr2-165367275-C-A. GRCh37 (hg19) VCF-style: chr2-166223785-C-A.
Other names: p.L1193L:CTC>CTA; c.3579C>A, p.Leu1193= (NM_001040143.2, NM_001371246.1, NM_001371247.1 and 1 more transcripts).
Identifiers: ClinVar variation 139012 (VCV000139012.61), dbSNP rs367546924, ClinGen allele CA293244.
Genomic context (GRCh38, chr2:165,367,275, plus strand): 5'-AGACTGTGTACGGAAGTTCAAGTGTTGTCAGATAAGCATAGAAGAAGGCAAAGGGAAACT[C>A]TGGTGGAATTTGAGGAAAACATGCTATAAGATAGTGGAGCACAATTGGTTCGAAACCTTC-3'
Protein context (NP_001035232.1, residues 1183-1203): QISIEEGKGK[Leu1193=]WWNLRKTCYK

ClinVar aggregate classification (germline): Conflicting classifications of pathogenicity. Review status: criteria provided, conflicting classifications (1 of 4 stars). 7 submissions from 7 submitters: Uncertain significance (1); Benign (2); Likely benign (4). Last evaluated 2025-11-03.

Conditions:
Inborn genetic diseases. Identifiers: MedGen C0950123, MeSH D030342.
Seizures, benign familial infantile, 3 (BFIS3). Also called: CONVULSIONS, BENIGN FAMILIAL INFANTILE, 3; Familial neonatal seizures. Identifiers: Orphanet 140927, Orphanet 306, MedGen C1843140, MONDO:0011904, OMIM 607745.
Developmental and epileptic encephalopathy, 11 (DEE11). Also called: Early infantile epileptic encephalopathy 11. Identifiers: Orphanet 1934, MedGen C3150987, MONDO:0013388, OMIM 613721.

Allele frequency attached by ClinVar (database versions not stated): ESP Exome Variant Server 0.00008; gnomAD 0.00008 and 0.00009; gnomAD exomes 0.00009 and 0.00013; ExAC 0.00012; TOPMed 0.00014.
gnomAD v4.1: 148 of 1,613,974 alleles (0.0092%); highest among the groups gnomAD compares: Admixed American, 0.052%; no homozygotes.

Submissions (7):

Labcorp Genetics (formerly Invitae), Labcorp
Classification: Likely benign for Seizures, benign familial infantile, 3; Developmental and epileptic encephalopathy, 11. Last evaluated: 2025-11-03. Review status: criteria provided, single submitter. Criteria: Invitae Variant Classification Sherloc (09022015). Collection method: clinical testing. Allele origin: germline.

CeGaT Center for Human Genetics Tuebingen
Classification: Likely benign. Last evaluated: 2025-09-01. Review status: criteria provided, single submitter. Criteria: CeGaT Center For Human Genetics Tuebingen Variant Classification Criteria Version 2. Collection method: clinical testing. Allele origin: germline. Affected: yes. Observed: 5 variant alleles.
Comment: SCN2A: BP4, BP7

Blueprint Genetics
Classification: Likely benign. Last evaluated: 2024-04-23. Review status: criteria provided, single submitter. Criteria: ACMG Guidelines, 2015. Collection method: clinical testing. Allele origin: germline.

Athena Diagnostics
Classification: Benign. Last evaluated: 2024-01-03. Review status: criteria provided, single submitter. Criteria: Athena Diagnostics Criteria. Collection method: clinical testing. Allele origin: unknown.

Ambry Genetics
Classification: Likely benign for Inborn genetic diseases. Last evaluated: 2018-10-16. Review status: criteria provided, single submitter. Criteria: Ambry Variant Classification Scheme 2023. Collection method: clinical testing. Allele origin: germline.

Eurofins Ntd Llc (ga)
Classification: Uncertain significance. Last evaluated: 2016-10-04. Review status: criteria provided, single submitter. Criteria: EGL Classification Definitions 2015. Collection method: clinical testing. Allele origin: germline. Observed: 1 variant allele, 1 heterozygote.

GeneDx
Classification: Benign. Last evaluated: 2014-02-25. Review status: criteria provided, single submitter. Criteria: GeneDx Variant Classification (06012015). Collection method: clinical testing. Allele origin: germline. Affected: yes.
Comment: This variant is considered likely benign or benign based on one or more of the following criteria: it is a conservative change, it occurs at a poorly conserved position in the protein, it is predicted to be benign by multiple in silico algorithms, and/or has population frequency not consistent with disease.